The following is an entry in ClinVar:

NM_020745.4(AARS2):c.-1G>C

Gene: AARS2 (alanyl-tRNA synthetase 2, mitochondrial; minus strand). Cytogenetic location: 6p21.1.
Variant type: single nucleotide variant.
Coding change: c.-1G>C on transcript NM_020745.4 (MANE Select); 1 bases upstream of the start codon, G replaced by C.
Molecular consequence: 5 prime UTR variant.
Genome position (GRCh38, 1-based): chr6:44,313,324, C>G on the plus strand (G>C on the coding strand, the complement: AARS2 is on the minus strand). VCF-style: chr6-44313324-C-G. GRCh37 (hg19) VCF-style: chr6-44281061-C-G.
Other names: c.-1G>C (NM_020745.3).
Identifiers: ClinVar variation 509197 (VCV000509197.31), dbSNP rs369453852, ClinGen allele CA3834769.

ClinVar aggregate classification (germline): Likely benign. Review status: criteria provided, multiple submitters, no conflicts (2 of 4 stars). 3 submissions from 3 submitters: Likely benign (3). Last evaluated 2026-03-27.

Allele frequency attached by ClinVar (database versions not stated): gnomAD exomes 0.00014 and 0.00029; ExAC 0.00034; ESP Exome Variant Server 0.00081; gnomAD 0.00127; 1000 Genomes Project 30x 0.00141; TOPMed 0.00147; 1000 Genomes Project 0.00160.
gnomAD v4.1: 416 of 1,600,900 alleles (0.026%); highest among the groups gnomAD compares: African/African-American, 0.48%; no homozygotes.

Submissions (3):

Molecular Diagnostic Laboratory for Inherited Cardiovascular Disease, Montreal Heart Institute
Classification: Likely benign. Last evaluated: 2026-03-27. Review status: criteria provided, single submitter. Criteria: ACMG Guidelines, 2015. Collection method: clinical testing. Allele origin: germline. Affected: no.
Comment: BS1

Blueprint Genetics
Classification: Likely benign. Last evaluated: 2024-05-15. Review status: criteria provided, single submitter. Criteria: ACMG Guidelines, 2015. Collection method: clinical testing. Allele origin: germline.

GeneDx
Classification: Likely benign. Last evaluated: 2024-03-30. Review status: criteria provided, single submitter. Criteria: GeneDx Variant Classification Process June 2021. Collection method: clinical testing. Allele origin: germline. Affected: yes.
Comment: See Variant Classification Assertion Criteria.